The following is an entry in ClinVar:

ClinVar aggregate classification (germline): Uncertain significance. Review status: criteria provided, multiple submitters, no conflicts (2 of 4 stars). 2 submissions from 2 submitters: Uncertain significance (2). Last evaluated 2021-12-15.

Allele frequency attached by ClinVar (database versions not stated): TOPMed below 0.00001.

Submissions (2):

Labcorp Genetics (formerly Invitae), Labcorp
Classification: Uncertain significance. Last evaluated: 2021-12-15. Review status: criteria provided, single submitter. Criteria: Invitae Variant Classification Sherloc (09022015). Collection method: clinical testing. Allele origin: germline.
Comment: This sequence change falls in intron 7 of the USH1C gene. It does not directly change the encoded amino acid sequence of the USH1C protein. It affects a nucleotide within the consensus splice site. This variant is not present in population databases (gnomAD no frequency). This variant has not been reported in the literature in individuals affected with USH1C-related conditions. Variants that disrupt the consensus splice site are a relatively common cause of aberrant splicing (PMID: 17576681, 9536098). Algorithms developed to predict the effect of sequence changes on RNA splicing suggest that this variant may disrupt the consensus splice site. In summary, the available evidence is currently insufficient to determine the role of this variant in disease. Therefore, it has been classified as a Variant of Uncertain Significance.

Blueprint Genetics
Classification: Uncertain significance. Last evaluated: 2021-03-18. Review status: criteria provided, single submitter. Criteria: ACMG Guidelines, 2015. Collection method: clinical testing. Allele origin: germline.

Literature cited by the submitters: PubMed 17576681 (cited by Labcorp Genetics (formerly Invitae), Labcorp); PubMed 9536098 (cited by Labcorp Genetics (formerly Invitae), Labcorp).

NM_153676.4(USH1C):c.579+5G>A

Gene: USH1C (USH1 protein network component harmonin; minus strand). Cytogenetic location: 11p15.1.
Variant type: single nucleotide variant.
Coding change: c.579+5G>A on transcript NM_153676.4 (MANE Select); 5 bases into the intron after coding-DNA position 579, G replaced by A.
Molecular consequence: intron variant.
Genome position (GRCh38, 1-based): chr11:17,526,748, C>T on the plus strand (G>A on the coding strand, the complement: USH1C is on the minus strand). VCF-style: chr11-17526748-C-T. GRCh37 (hg19) VCF-style: chr11-17548295-C-T.
Other names: c.579+5G>A (NM_001297764.2, NM_005709.4).
Identifiers: ClinVar variation 1385544 (VCV001385544.4), dbSNP rs1850695435, ClinGen allele CA1955186718.